The following is an entry in ClinVar:

NM_006393.3(NEBL):c.624C>T (p.Pro208=)

Gene: NEBL (nebulette; minus strand). Cytogenetic location: 10p12.31.
Variant type: single nucleotide variant.
Coding change: c.624C>T on transcript NM_006393.3 (MANE Select); coding-DNA position 624, C replaced by T.
Protein change: p.Pro208=; no amino-acid change (proline 208 retained).
Molecular consequence: synonymous variant. On other transcripts: intron variant (9).
Genome position (GRCh38, 1-based): chr10:20,868,724, G>A on the plus strand (C>T on the coding strand, the complement: NEBL is on the minus strand). VCF-style: chr10-20868724-G-A. GRCh37 (hg19) VCF-style: chr10-21157653-G-A.
Other names: c.250-55784C>T (NM_001377326.1, NM_001377327.1, NM_001377328.1); c.358-55784C>T (NM_213569.2, NM_001173484.2, NM_001377322.1); c.301-55784C>T (NM_001377324.1); c.292-55784C>T (NM_001377325.1); c.310-55784C>T (NM_001377323.1).
Identifiers: ClinVar variation 164761 (VCV000164761.23), dbSNP rs111854914, ClinGen allele CA177449.

ClinVar aggregate classification (germline): Benign/Likely benign. Review status: criteria provided, multiple submitters, no conflicts (2 of 4 stars). 7 submissions from 7 submitters: Benign (5); Likely benign (1). 1 of the submissions does not count toward it. Last evaluated 2026-01-27.

Conditions:
NEBL-related disorder. Also called: NEBL-related condition.
Primary dilated cardiomyopathy (DCM). Also called: Dilated Cardiomyopathy. Identifiers: Orphanet 217604, MedGen C0007193, MeSH D002311, MONDO:0005021, HP:0001644. Inheritance: Various modes of inheritance.

Allele frequency attached by ClinVar (database versions not stated): gnomAD exomes 0.00011 and 0.00028; ExAC 0.00029; 1000 Genomes Project 30x 0.00031; 1000 Genomes Project 0.00040; gnomAD 0.00106 and 0.00124; ESP Exome Variant Server 0.00123; TOPMed 0.00134.
gnomAD v4.1: 323 of 1,612,428 alleles (0.02%); highest among the groups gnomAD compares: African/African-American, 0.36%; no homozygotes.

Submissions (7):

Labcorp Genetics (formerly Invitae), Labcorp
Classification: Benign for Primary dilated cardiomyopathy. Last evaluated: 2026-01-27. Review status: criteria provided, single submitter. Criteria: Invitae Variant Classification Sherloc (09022015). Collection method: clinical testing. Allele origin: germline.

Women's Health and Genetics/Laboratory Corporation of America, LabCorp
Classification: Benign. Last evaluated: 2023-08-19. Review status: criteria provided, single submitter. Criteria: LabCorp Variant Classification Summary - May 2015. Collection method: clinical testing. Allele origin: germline.

Ambry Genetics
Classification: Likely benign. Last evaluated: 2022-03-12. Review status: criteria provided, single submitter. Criteria: Ambry Variant Classification Scheme 2023. Collection method: clinical testing. Allele origin: germline.

GeneDx
Classification: Benign. Last evaluated: 2015-03-03. Review status: criteria provided, single submitter. Criteria: GeneDx Variant Classification Process June 2021. Collection method: clinical testing. Allele origin: germline. Affected: yes.

Laboratory for Molecular Medicine, Mass General Brigham Personalized Medicine
Classification: Benign. Last evaluated: 2012-03-19. Review status: criteria provided, single submitter. Criteria: LMM Criteria. Collection method: clinical testing. Allele origin: germline. Observed: 2 variant alleles.
Comment: p.Pro208Pro in Exon 07 of NEBL: This variant is not expected to have clinical si gnificance because it does not alter an amino acid residue, is not located withi n the splice consensus sequence and has been identified in 0.3% (12/3738) of Afr ican American chromosomes from a broad population by the NHLBI Exome Sequencing Project (dbSNP rs111854914).

Breakthrough Genomics
Classification: Benign. Review status: criteria provided, single submitter. Criteria: ACMG Guidelines, 2015. Collection method: not provided. Allele origin: germline. Inheritance: Unknown mechanism. Affected: yes.

PreventionGenetics, part of Exact Sciences
Classification: Likely benign for NEBL-related condition. Last evaluated: 2024-01-01. Review status: no assertion criteria provided. Collection method: clinical testing. Allele origin: germline. Not counted in ClinVar's aggregate classification.
Comment: This variant is classified as likely benign based on ACMG/AMP sequence variant interpretation guidelines (Richards et al. 2015 PMID: 25741868, with internal and published modifications).